The following is an entry in ClinVar:

ClinVar aggregate classification (germline): Uncertain significance (1 of 4 stars; one submission).

gnomAD v4.1: 1 of 1,602,388 alleles (0.000062%); highest among the groups gnomAD compares: Non-Finnish European, 0.000085%; no homozygotes.

Submission:

Labcorp Genetics (formerly Invitae), Labcorp
Classification: Uncertain significance. Last evaluated: 2025-02-22. Review status: criteria provided, single submitter. Criteria: Invitae Variant Classification Sherloc (09022015). Collection method: clinical testing. Allele origin: germline.
Comment: This sequence change falls in intron 6 of the MCM5 gene. It does not directly change the encoded amino acid sequence of the MCM5 protein. It affects a nucleotide within the consensus splice site. This variant is not present in population databases (gnomAD no frequency). This variant has not been reported in the literature in individuals affected with MCM5-related conditions. Variants that disrupt the consensus splice site are a relatively common cause of aberrant splicing (PMID: 17576681, 9536098). Algorithms developed to predict the effect of sequence changes on RNA splicing suggest that this variant is not likely to affect RNA splicing. In summary, the available evidence is currently insufficient to determine the role of this variant in disease. Therefore, it has been classified as a Variant of Uncertain Significance.

Literature cited by the submitters: PubMed 17576681; PubMed 9536098.

NM_006739.4(MCM5):c.752+5G>A

Gene: MCM5 (minichromosome maintenance complex component 5; plus strand). Cytogenetic location: 22q12.3.
Variant type: single nucleotide variant.
Coding change: c.752+5G>A on transcript NM_006739.4 (MANE Select); 5 bases into the intron after coding-DNA position 752, G replaced by A.
Molecular consequence: intron variant.
Genome position (GRCh38, 1-based): chr22:35,408,568, G>A. VCF-style: chr22-35408568-G-A. GRCh37 (hg19) VCF-style: chr22-35804561-G-A.
Identifiers: ClinVar variation 4810258 (VCV004810258.1).